The following is an entry in ClinVar:

ClinVar aggregate classification (germline): Uncertain significance (1 of 4 stars; one submission).

Allele frequency attached by ClinVar (database versions not stated): gnomAD 0.00001; TOPMed 0.00001.
gnomAD v4.1: 7 of 1,613,970 alleles (0.00043%); highest among the groups gnomAD compares: African/African-American, 0.0013%; no homozygotes.

Submission:

Labcorp Genetics (formerly Invitae), Labcorp
Classification: Uncertain significance. Last evaluated: 2022-06-18. Review status: criteria provided, single submitter. Criteria: Invitae Variant Classification Sherloc (09022015). Collection method: clinical testing. Allele origin: germline.
Comment: This sequence change replaces threonine, which is neutral and polar, with serine, which is neutral and polar, at codon 551 of the HPS1 protein (p.Thr551Ser). This variant is present in population databases (no rsID available, gnomAD 0.004%). This variant has not been reported in the literature in individuals affected with HPS1-related conditions. Algorithms developed to predict the effect of missense changes on protein structure and function (SIFT, PolyPhen-2, Align-GVGD) all suggest that this variant is likely to be tolerated. Algorithms developed to predict the effect of sequence changes on RNA splicing suggest that this variant may create or strengthen a splice site. In summary, the available evidence is currently insufficient to determine the role of this variant in disease. Therefore, it has been classified as a Variant of Uncertain Significance.

NM_000195.5(HPS1):c.1652C>G (p.Thr551Ser)

Gene: HPS1 (HPS1 biogenesis of lysosomal organelles complex 3 subunit 1; minus strand). Cytogenetic location: 10q24.2.
Variant type: single nucleotide variant.
Coding change: c.1652C>G on transcript NM_000195.5 (MANE Select); coding-DNA position 1652, C replaced by G.
Protein change: p.Thr551Ser; replaces threonine 551 with serine.
Molecular consequence: missense variant.
Genome position (GRCh38, 1-based): chr10:98,422,460, G>C on the plus strand (C>G on the coding strand, the complement: HPS1 is on the minus strand). VCF-style: chr10-98422460-G-C. GRCh37 (hg19) VCF-style: chr10-100182217-G-C.
Other names: c.680C>G, p.Thr227Ser (NM_001311345.2, NM_001322487.2, NM_001322489.2); c.1652C>G, p.Thr551Ser (NM_001322476.2, NM_001322477.2); c.1553C>G, p.Thr518Ser (NM_001322478.2, NM_001322479.2); c.1391C>G, p.Thr464Ser (NM_001322480.2, NM_001322481.2); c.1292C>G, p.Thr431Ser (NM_001322482.2); c.1283C>G, p.Thr428Ser (NM_001322483.2, NM_001322484.2); c.1184C>G, p.Thr395Ser (NM_001322485.2); short protein forms T428S, T431S, T464S, T227S, T518S, T395S, T551S.
Identifiers: ClinVar variation 2081877 (VCV002081877.1), dbSNP rs1268623165, ClinGen allele CA378044195.